The following is an entry in ClinVar:

NM_001035.3(RYR2):c.12139G>T (p.Asp4047Tyr)

Gene: RYR2 (ryanodine receptor 2; plus strand). Cytogenetic location: 1q43.
Variant type: single nucleotide variant.
Coding change: c.12139G>T on transcript NM_001035.3 (MANE Select); coding-DNA position 12139, G replaced by T.
Protein change: p.Asp4047Tyr; replaces aspartic acid 4047 with tyrosine.
Molecular consequence: missense variant.
Genome position (GRCh38, 1-based): chr1:237,783,851, G>T. VCF-style: chr1-237783851-G-T. GRCh37 (hg19) VCF-style: chr1-237947151-G-T.
Other names: short protein forms D4047Y.
Identifiers: ClinVar variation 1036555 (VCV001036555.10), dbSNP rs727505103, ClinGen allele CA345412238.

ClinVar aggregate classification (germline): Uncertain significance (1 of 4 stars; one submission).

Conditions:
Catecholaminergic polymorphic ventricular tachycardia 1. Also called: RYR2-Related Catecholaminergic Polymorphic Ventricular Tachycardia; VENTRICULAR TACHYCARDIA, STRESS-INDUCED POLYMORPHIC 1; VENTRICULAR TACHYCARDIA, CATECHOLAMINERGIC POLYMORPHIC, 1, WITH OR WITHOUT ATRIAL DYSFUNCTION AND/OR DILATED CARDIOMYOPATHY. Identifiers: Orphanet 3286, MedGen C1631597, MONDO:0011484, OMIM 604772.

Submission:

Labcorp Genetics (formerly Invitae), Labcorp
Classification: Uncertain significance for Catecholaminergic polymorphic ventricular tachycardia 1. Last evaluated: 2022-02-21. Review status: criteria provided, single submitter. Criteria: Invitae Variant Classification Sherloc (09022015). Collection method: clinical testing. Allele origin: germline.
Comment: In summary, the available evidence is currently insufficient to determine the role of this variant in disease. Therefore, it has been classified as a Variant of Uncertain Significance. Algorithms developed to predict the effect of sequence changes on RNA splicing suggest that this variant may create or strengthen a splice site. Algorithms developed to predict the effect of missense changes on protein structure and function (SIFT, PolyPhen-2, Align-GVGD) all suggest that this variant is likely to be disruptive. ClinVar contains an entry for this variant (Variation ID: 1036555). This variant has not been reported in the literature in individuals affected with RYR2-related conditions. This variant is not present in population databases (gnomAD no frequency). This sequence change replaces aspartic acid, which is acidic and polar, with tyrosine, which is neutral and polar, at codon 4047 of the RYR2 protein (p.Asp4047Tyr).